The following is an entry in ClinVar:

NM_002599.5(PDE2A):c.144+11147C>T

Gene: PDE2A (phosphodiesterase 2A; minus strand). Cytogenetic location: 11q13.4.
Variant type: single nucleotide variant.
Coding change: c.144+11147C>T on transcript NM_002599.5 (MANE Select); 11147 bases into the intron after coding-DNA position 144, C replaced by T.
Molecular consequence: intron variant. On other transcripts: missense variant (1).
Genome position (GRCh38, 1-based): chr11:72,631,107, G>A on the plus strand (C>T on the coding strand, the complement: PDE2A is on the minus strand). VCF-style: chr11-72631107-G-A. GRCh37 (hg19) VCF-style: chr11-72342151-G-A.
Other names: p.Pro18Ser; c.52C>T, p.Pro18Ser (NM_001243784.2); c.117+11147C>T (NM_001146209.3); c.123+11147C>T (NM_001143839.4); short protein forms P18S.
Identifiers: ClinVar variation 2663806 (VCV002663806.2), dbSNP rs577831358, ClinGen allele CA6172724.
Genomic context (GRCh38, chr11:72,631,107, plus strand): 5'-CCACCCACTTCTCCCTCCACTGAGCTCTCACCTCCAGTCGGTCGTCTCTACTCCCTGGGG[G>A]TCCTGGCTCCTTTGCAAGGGGGTCCAGGCTGGCTGCAGAGACAAGAAGGTCAGGGGCTGA-3'

ClinVar aggregate classification (germline): Uncertain significance (1 of 4 stars; one submission).

Conditions:
Intellectual developmental disorder with paroxysmal dyskinesia or seizures. Identifiers: MedGen C5436894, MONDO:0030900, OMIM 619150.

Allele frequency attached by ClinVar (database versions not stated): gnomAD 0.00002; 1000 Genomes Project 30x 0.00016; 1000 Genomes Project 0.00020; ExAC 0.00051.

Submission:

Foundation for Research in Genetics and Endocrinology, FRIGE's Institute of Human Genetics
Classification: Uncertain significance for Intellectual developmental disorder with paroxysmal dyskinesia or seizures. Last evaluated: 2023-11-22. Review status: criteria provided, single submitter. Criteria: ACMG Guidelines, 2015. Collection method: clinical testing. Allele origin: germline. Inheritance: Autosomal recessive inheritance. Affected: yes. Observed: 1 compound heterozygote.
Comment: A likely compound heterozygous missense variant in exon 2 of the PDE2A gene that results in the amino acid substitution of Serine for Proline at codon 18 was detected. This variant has not been reported in the topmed databases and has a minor allele frequency of 0.02%, 0.002% and 0.01% in the 1000 genomes, gnomAD (v3.1) and gnomAD (v2.1) databases respectively. The reference codon is conserved across species. In summary, the variant meets our criteria to be classified as variant of uncertain significance.